The following is an entry in ClinVar:

ClinVar aggregate classification (germline): Benign/Likely benign. Review status: criteria provided, multiple submitters, no conflicts (2 of 4 stars). 16 submissions from 13 submitters: Benign (7); Likely benign (6). 3 of the submissions do not count toward it. Last evaluated 2026-01-27.

Conditions:
TTN-related disorder. Also called: TTN-related disorders; TTN-related condition; TTN-related disease.
Dilated cardiomyopathy 1G (CMD1G). Identifiers: Orphanet 154, MedGen C1858763, MONDO:0011400, OMIM 604145.
Autosomal recessive limb-girdle muscular dystrophy type 2J (LGMDR10). Also called: MUSCULAR DYSTROPHY, LIMB-GIRDLE, AUTOSOMAL RECESSIVE 10; Limb-girdle muscular dystrophy, type 2J. Identifiers: Orphanet 140922, MedGen C1837342, MONDO:0012127, OMIM 608807.
Myopathy, myofibrillar, 9, with early respiratory failure (MFM9). Also called: Myopathy, distal, with early respiratory failure, autosomal dominant; Hereditary myopathy with early respiratory failure; MYOPATHY, PROXIMAL, WITH EARLY RESPIRATORY MUSCLE INVOLVEMENT; EDSTROM MYOPATHY. Identifiers: Orphanet 178464, Orphanet 34521, MedGen C1863599, MONDO:0011362, OMIM 603689.
Early-onset myopathy with fatal cardiomyopathy (CMYO5). Also called: CONGENITAL MYOPATHY 5 WITH CARDIOMYOPATHY; Salih Myopathy. Identifiers: Orphanet 289377, MedGen C2673677, MONDO:0012714, OMIM 611705. Disease mechanism: loss of function.
Tibial muscular dystrophy (TMD). Also called: Udd Distal Myopathy – Tibial Muscular Dystrophy; Tibial muscular dystrophy, tardive; UDD MYOPATHY. Identifiers: Orphanet 609, MedGen C1838244, MONDO:0010870, OMIM 600334.

Allele frequency attached by ClinVar (database versions not stated): gnomAD exomes 0.00032 and 0.00008; TOPMed 0.00121; 1000 Genomes Project 0.00140; ESP Exome Variant Server 0.00148; gnomAD 0.00108 and 0.00105; ExAC 0.00039; 1000 Genomes Project 30x 0.00172.
gnomAD v4.1: 275 of 1,608,638 alleles (0.017%); highest among the groups gnomAD compares: African/African-American, 0.33%; 1 homozygote.

Submissions (16):

Labcorp Genetics (formerly Invitae), Labcorp
Classification: Likely benign for Dilated cardiomyopathy 1G; Autosomal recessive limb-girdle muscular dystrophy type 2J. Last evaluated: 2026-01-27. Review status: criteria provided, single submitter. Criteria: Invitae Variant Classification Sherloc (09022015). Collection method: clinical testing. Allele origin: germline.

Molecular Diagnostic Laboratory for Inherited Cardiovascular Disease, Montreal Heart Institute
Classification: Benign. Last evaluated: 2025-04-09. Review status: criteria provided, single submitter. Criteria: ACMG Guidelines, 2015. Collection method: clinical testing. Allele origin: germline. Affected: no.
Comment: BS1;BP1;BP6

Blueprint Genetics
Classification: Likely benign. Last evaluated: 2024-11-11. Review status: criteria provided, single submitter. Criteria: ACMG Guidelines, 2015. Collection method: clinical testing. Allele origin: germline.

Women's Health and Genetics/Laboratory Corporation of America, LabCorp
Classification: Benign. Last evaluated: 2022-08-08. Review status: criteria provided, single submitter. Criteria: LabCorp Variant Classification Summary - May 2015. Collection method: clinical testing. Allele origin: germline.
Comment: Variant summary: TTN c.11810G>C (p.Gly3937Ala) results in a non-conservative amino acid change in the encoded protein sequence. The variant allele was found at a frequency of 0.00041 in 278438 control chromosomes, predominantly at a frequency of 0.0044 within the African or African-American subpopulation in the gnomAD database, including 1 homozygote. The observed variant frequency within African or African-American control individuals in the gnomAD database is approximately 11-fold of the estimated maximal expected allele frequency for a pathogenic variant in TTN causing Dilated Cardiomyopathy phenotype (0.00039), strongly suggesting that the variant is a benign polymorphism found primarily in populations of African or African-American origin. To our knowledge, no occurrence of c.11810G>C in individuals affected with Dilated Cardiomyopathy and no experimental evidence demonstrating its impact on protein function have been reported. Six clinical diagnostic laboratories have submitted clinical-significance assessments for this variant to ClinVar after 2014 without evidence for independent evaluation. All laboratories classified the variant as benign/likely benign. Based on the evidence outlined above, the variant was classified as benign.

Genome-Nilou Lab
Classification: Benign for Autosomal recessive limb-girdle muscular dystrophy type 2J. Last evaluated: 2021-09-10. Review status: criteria provided, single submitter. Criteria: ACMG Guidelines, 2015. Collection method: clinical testing. Allele origin: germline. Affected: no.

Genome-Nilou Lab
Classification: Benign for Myopathy, myofibrillar, 9, with early respiratory failure. Last evaluated: 2021-09-10. Review status: criteria provided, single submitter. Criteria: ACMG Guidelines, 2015. Collection method: clinical testing. Allele origin: germline. Affected: no.

Genome-Nilou Lab
Classification: Benign for Early-onset myopathy with fatal cardiomyopathy. Last evaluated: 2021-09-10. Review status: criteria provided, single submitter. Criteria: ACMG Guidelines, 2015. Collection method: clinical testing. Allele origin: germline. Affected: no.

Genome-Nilou Lab
Classification: Benign for Tibial muscular dystrophy. Last evaluated: 2021-09-10. Review status: criteria provided, single submitter. Criteria: ACMG Guidelines, 2015. Collection method: clinical testing. Allele origin: germline. Affected: no.

ARUP Laboratories, Molecular Genetics and Genomics, ARUP Laboratories
Classification: Likely benign. Last evaluated: 2021-07-10. Review status: criteria provided, single submitter. Criteria: ARUP Molecular Germline Variant Investigation Process 2021. Collection method: clinical testing. Allele origin: germline.

GeneDx
Classification: Likely benign. Last evaluated: 2020-03-16. Review status: criteria provided, single submitter. Criteria: GeneDx Variant Classification Process June 2021. Collection method: clinical testing. Allele origin: germline. Affected: yes.

Athena Diagnostics
Classification: Benign. Last evaluated: 2016-10-28. Review status: criteria provided, single submitter. Criteria: Athena Diagnostics Criteria. Collection method: clinical testing. Allele origin: germline.

Eurofins Ntd Llc (ga)
Classification: Likely benign. Last evaluated: 2015-08-21. Review status: criteria provided, single submitter. Criteria: EGL Classification Definitions 2015. Collection method: clinical testing. Allele origin: germline. Observed: 2 variant alleles, 2 heterozygotes.

Laboratory for Molecular Medicine, Mass General Brigham Personalized Medicine
Classification: Likely benign. Last evaluated: 2012-01-24. Review status: criteria provided, single submitter. Criteria: LMM Criteria. Collection method: clinical testing. Allele origin: germline. Observed: 4 variant alleles.
Comment: p.Gly3937Ala in exon 50 of TTN: This variant is not expected to have clinical si gnificance because it is not located within the splice consensus sequence and ha s been identified in 0.4% (12/3164) of African American chromosomes by the NHLBI Exome Sequencing Project in a broad population (S).

PreventionGenetics, part of Exact Sciences
Classification: Likely benign for TTN-related condition. Last evaluated: 2021-01-27. Review status: no assertion criteria provided. Collection method: clinical testing. Allele origin: germline. Not counted in ClinVar's aggregate classification.
Comment: This variant is classified as likely benign based on ACMG/AMP sequence variant interpretation guidelines (Richards et al. 2015 PMID: 25741868, with internal and published modifications).

Clinical Genetics, Academic Medical Center
Classification: Benign. Review status: no assertion criteria provided. Collection method: clinical testing. Allele origin: germline. Affected: yes. Study: VKGL Data-share Consensus. Not counted in ClinVar's aggregate classification.

Laboratory of Diagnostic Genome Analysis, Leiden University Medical Center (LUMC)
Classification: Likely benign. Review status: no assertion criteria provided. Collection method: clinical testing. Allele origin: germline. Affected: yes. Study: VKGL Data-share Consensus. Not counted in ClinVar's aggregate classification.

NM_001267550.2(TTN):c.15542G>C (p.Gly5181Ala)

Gene: TTN (titin; minus strand). Cytogenetic location: 2q31.2.
Variant type: single nucleotide variant.
Coding change: c.15542G>C on transcript NM_001267550.2 (MANE Select); coding-DNA position 15542, G replaced by C.
Protein change: p.Gly5181Ala; replaces glycine 5181 with alanine.
Molecular consequence: missense variant. On other transcripts: intron variant (3).
Genome position (GRCh38, 1-based): chr2:178,733,847, C>G on the plus strand (G>C on the coding strand, the complement: TTN is on the minus strand). VCF-style: chr2-178733847-C-G. GRCh37 (hg19) VCF-style: chr2-179598574-C-G.
Other names: p.G4864A:GGA>GCA; c.14591G>C, p.Gly4864Ala (NM_001256850.1); c.11810G>C, p.Gly3937Ala (NM_133378.4); c.13282+4235G>C (NM_003319.4); c.13858+4235G>C (NM_133437.4); c.13657+4235G>C (NM_133432.3); short protein forms G5181A, G3937A, G4864A.
Identifiers: ClinVar variation 46602 (VCV000046602.36), dbSNP rs201185434, ClinGen allele CA138729.